The following is an entry in ClinVar:

NM_000138.5(FBN1):c.6748G>A (p.Glu2250Lys)

Gene: FBN1 (fibrillin 1; minus strand). Cytogenetic location: 15q21.1.
Variant type: single nucleotide variant.
Coding change: c.6748G>A on transcript NM_000138.5 (MANE Select); coding-DNA position 6748, G replaced by A.
Protein change: p.Glu2250Lys; replaces glutamic acid 2250 with lysine.
Molecular consequence: missense variant.
Genome position (GRCh38, 1-based): chr15:48,430,794, C>T on the plus strand (G>A on the coding strand, the complement: FBN1 is on the minus strand). VCF-style: chr15-48430794-C-T. GRCh37 (hg19) VCF-style: chr15-48722991-C-T.
Other names: short protein forms E2250K.
Identifiers: ClinVar variation 662944 (VCV000662944.49), dbSNP rs1597520789, ClinGen allele CA392332918.

ClinVar aggregate classification (germline): Conflicting classifications of pathogenicity. Review status: criteria provided, conflicting classifications (1 of 4 stars). 2 submissions from 2 submitters: Likely pathogenic (1); Uncertain significance (1). Last evaluated 2022-07-19.

Conditions:
Familial thoracic aortic aneurysm and aortic dissection (TAAD). Also called: Thoracic aortic aneurysms and dissections. Identifiers: Orphanet 91387, MedGen C4707243, MONDO:0019625.
Marfan syndrome (MFS). Also called: MARFAN SYNDROME, TYPE I; Marfan syndrome type 1; Marfan's syndrome; Marfan syndrome, classic; FBN1-Related Marfan Syndrome. Identifiers: Orphanet 284963, Orphanet 558, MedGen C0024796, MONDO:0007947, OMIM 154700.

Submissions (2):

Labcorp Genetics (formerly Invitae), Labcorp
Classification: Uncertain significance for Marfan syndrome; Familial thoracic aortic aneurysm and aortic dissection. Last evaluated: 2022-07-19. Review status: criteria provided, single submitter. Criteria: Invitae Variant Classification Sherloc (09022015). Collection method: clinical testing. Allele origin: germline.
Comment: This sequence change replaces glutamic acid, which is acidic and polar, with lysine, which is basic and polar, at codon 2250 of the FBN1 protein (p.Glu2250Lys). This variant is not present in population databases (gnomAD no frequency). This variant has not been reported in the literature in individuals affected with FBN1-related conditions. ClinVar contains an entry for this variant (Variation ID: 662944). Advanced modeling of protein sequence and biophysical properties (such as structural, functional, and spatial information, amino acid conservation, physicochemical variation, residue mobility, and thermodynamic stability) performed at Invitae indicates that this missense variant is expected to disrupt FBN1 protein function. In summary, the available evidence is currently insufficient to determine the role of this variant in disease. Therefore, it has been classified as a Variant of Uncertain Significance.

CeGaT Center for Human Genetics Tuebingen
Classification: Likely pathogenic. Last evaluated: 2020-02-01. Review status: criteria provided, single submitter. Criteria: CeGaT Center For Human Genetics Tuebingen Variant Classification Criteria Version 2. Collection method: clinical testing. Allele origin: germline. Affected: yes. Observed: 1 variant allele.